The following is an entry in ClinVar:

NM_001195263.2(PDZD7):c.2334_2335insTGCAGC (p.Ser778_Arg779insCysSer)

Gene: PDZD7 (PDZ domain containing 7; minus strand). Cytogenetic location: 10q24.31.
Variant type: Insertion.
Coding change: c.2334_2335insTGCAGC on transcript NM_001195263.2 (MANE Select); coding-DNA positions 2334 to 2335, TGCAGC inserted.
Protein change: p.Ser778_Arg779insCysSer.
Molecular consequence: inframe insertion.
Genome position: GRCh38 VCF-style: chr10-101010554-G-GGCTGCA. GRCh37 (hg19) VCF-style: chr10-102770311-G-GGCTGCA.
Other names: c.2334_2335insTGCAGC (NM_001195263.1).
Identifiers: ClinVar variation 1046367 (VCV001046367.9), dbSNP rs1403495039, ClinGen allele CA595644078.

ClinVar aggregate classification (germline): Uncertain significance. Review status: criteria provided, multiple submitters, no conflicts (2 of 4 stars). 4 submissions from 4 submitters: Uncertain significance (4). Last evaluated 2026-01-20.

Conditions:
PDZD7-related disorder. Also called: PDZD7-related condition; PDZD7-related disorders.

Submissions (4):

PreventionGenetics, part of Exact Sciences
Classification: Uncertain significance for PDZD7-related condition. Last evaluated: 2026-01-20. Review status: criteria provided, single submitter. Criteria: ACMG Guidelines, 2015. Collection method: clinical testing. Allele origin: germline.
Comment: The PDZD7 c.2334_2335insTGCAGC variant is predicted to result in an in-frame amino acid insertion (p.Ser778_Arg779insCysSer). To our knowledge, this variant has not been reported in the literature. This variant is reported in 0.0045% of alleles in individuals of European (Non-Finnish) descent in gnomAD. At this time, the clinical significance of this variant is uncertain due to the absence of conclusive functional and genetic evidence.

Blueprint Genetics
Classification: Uncertain significance. Last evaluated: 2023-12-15. Review status: criteria provided, single submitter. Criteria: ACMG Guidelines, 2015. Collection method: clinical testing. Allele origin: germline.

GeneDx
Classification: Uncertain significance. Last evaluated: 2023-12-12. Review status: criteria provided, single submitter. Criteria: GeneDx Variant Classification Process June 2021. Collection method: clinical testing. Allele origin: germline. Affected: yes.
Comment: In-frame insertion of 2 amino acids in a non-repeat region; Not observed at significant frequency in large population cohorts (gnomAD); Has not been previously published as pathogenic or benign to our knowledge

Labcorp Genetics (formerly Invitae), Labcorp
Classification: Uncertain significance. Last evaluated: 2022-04-09. Review status: criteria provided, single submitter. Criteria: Invitae Variant Classification Sherloc (09022015). Collection method: clinical testing. Allele origin: germline.
Comment: This variant, c.2334_2335insTGCAGC, results in the insertion of 2 amino acid(s) of the PDZD7 protein (p.Ser778_Arg779insCysSer), but otherwise preserves the integrity of the reading frame. This variant is present in population databases (no rsID available, gnomAD 0.005%). This variant has not been reported in the literature in individuals affected with PDZD7-related conditions. ClinVar contains an entry for this variant (Variation ID: 1046367). Experimental studies and prediction algorithms are not available or were not evaluated, and the functional significance of this variant is currently unknown. In summary, the available evidence is currently insufficient to determine the role of this variant in disease. Therefore, it has been classified as a Variant of Uncertain Significance.